The following is an entry in ClinVar:

NM_000136.3(FANCC):c.922G>T (p.Ala308Ser)

Genes: FANCC (FA complementation group C; minus strand), AOPEP (aminopeptidase O (putative); plus strand). Cytogenetic location: 9q22.32.
Variant type: single nucleotide variant.
Coding change: c.922G>T on transcript NM_000136.3 (MANE Select); coding-DNA position 922, G replaced by T.
Protein change: p.Ala308Ser; replaces alanine 308 with serine.
Molecular consequence: missense variant.
Genome position (GRCh38, 1-based): chr9:95,125,160, C>A on the plus strand (G>T on the coding strand, the complement: FANCC is on the minus strand). VCF-style: chr9-95125160-C-A. GRCh37 (hg19) VCF-style: chr9-97887442-C-A.
Other names: c.922G>T, p.Ala308Ser (NM_001243743.2, NM_001243744.2); short protein forms A308S.
Identifiers: ClinVar variation 3230400 (VCV003230400.1), dbSNP rs2541139244, ClinGen allele CA374108983.
Genomic context (GRCh38, chr9:95,125,160, plus strand): 5'-TCTCCAGAGCTTCTACAAAGCACTGCGTAAACACCTGAATAGTGGCTATGATTTCCAGGG[C>A]CCCATCGGTTTCCAGGAGTGCACACCTGAACAATGCAAAGTCAGATCAGAACACGTTTAA-3'
Protein context (NP_000127.2, residues 298-318): FRCALLETDG[Ala308Ser]LEIIATIQVF

ClinVar aggregate classification (germline): Uncertain significance (1 of 4 stars; one submission).

Conditions:
Hereditary cancer-predisposing syndrome. Also called: Neoplastic Syndromes, Hereditary; Tumor predisposition; Hereditary neoplastic syndrome; Hereditary Cancer Syndrome. Identifiers: Orphanet 140162, MedGen C0027672, MeSH D009386, MONDO:0015356.

Submission:

Ambry Genetics
Classification: Uncertain significance for Hereditary cancer-predisposing syndrome. Last evaluated: 2023-12-01. Review status: criteria provided, single submitter. Criteria: Ambry Variant Classification Scheme 2023. Collection method: clinical testing. Allele origin: germline.
Comment: The p.A308S variant (also known as c.922G>T), located in coding exon 9 of the FANCC gene, results from a G to T substitution at nucleotide position 922. The alanine at codon 308 is replaced by serine, an amino acid with similar properties. This amino acid position is conserved. In addition, this alteration is predicted to be tolerated by in silico analysis. Since supporting evidence is limited at this time, the clinical significance of this alteration remains unclear.